The following is an entry in ClinVar:

ClinVar aggregate classification (germline): Uncertain significance (1 of 4 stars; one submission).

Submission:

Ambry Genetics
Classification: Uncertain significance. Last evaluated: 2022-09-30. Review status: criteria provided, single submitter. Criteria: Ambry Variant Classification Scheme 2023. Collection method: clinical testing. Allele origin: germline.
Comment: The p.W776L variant (also known as c.2327G>T), located in coding exon 21 of the PRKDC gene, results from a G to T substitution at nucleotide position 2327. The tryptophan at codon 776 is replaced by leucine, an amino acid with similar properties. This amino acid position is conserved. In addition, this alteration is predicted to be deleterious by in silico analysis. Since supporting evidence is limited at this time, the clinical significance of this alteration remains unclear.

NM_006904.7(PRKDC):c.2327G>T (p.Trp776Leu)

Gene: PRKDC (protein kinase, DNA-activated, catalytic subunit; minus strand). Cytogenetic location: 8q11.21.
Variant type: single nucleotide variant.
Coding change: c.2327G>T on transcript NM_006904.7 (MANE Select); coding-DNA position 2327, G replaced by T.
Protein change: p.Trp776Leu; replaces tryptophan 776 with leucine.
Molecular consequence: missense variant.
Genome position (GRCh38, 1-based): chr8:47,927,286, C>A on the plus strand (G>T on the coding strand, the complement: PRKDC is on the minus strand). VCF-style: chr8-47927286-C-A. GRCh37 (hg19) VCF-style: chr8-48839846-C-A.
Other names: c.2327G>T, p.Trp776Leu (NM_001081640.2); short protein forms W776L.
Identifiers: ClinVar variation 1789666 (VCV001789666.2), dbSNP rs2551878141, ClinGen allele CA371161901.